The following is an entry in ClinVar:

ClinVar aggregate classification (germline): Pathogenic/Likely pathogenic. Review status: criteria provided, multiple submitters, no conflicts (2 of 4 stars). 4 submissions from 4 submitters: Pathogenic (2); Likely pathogenic (2). Last evaluated 2025-05-30.

Conditions:
Thrombophilia due to protein C deficiency, autosomal recessive. Also called: PROC DEFICIENCY, AUTOSOMAL RECESSIVE; PROTEIN C DEFICIENCY, AUTOSOMAL RECESSIVE. Identifiers: Orphanet 745, MedGen C2676759, MONDO:0012860, OMIM 612304.
Thrombophilia due to protein C deficiency, autosomal dominant. Also called: PROC DEFICIENCY, AUTOSOMAL DOMINANT; PROTEIN C DEFICIENCY, AUTOSOMAL DOMINANT. Identifiers: Orphanet 745, MedGen C2674321, MONDO:0008316, OMIM 176860. Disease mechanism: loss of function.

Submissions (4):

Labcorp Genetics (formerly Invitae), Labcorp
Classification: Pathogenic for Thrombophilia due to protein C deficiency, autosomal dominant. Last evaluated: 2025-05-30. Review status: criteria provided, single submitter. Criteria: Invitae Variant Classification Sherloc (09022015). Collection method: clinical testing. Allele origin: germline.
Comment: This sequence change creates a premature translational stop signal (p.Pro405Alafs*20) in the PROC gene. While this is not anticipated to result in nonsense mediated decay, it is expected to disrupt the last 57 amino acid(s) of the PROC protein. This variant is present in population databases (no rsID available, gnomAD 0.006%). This premature translational stop signal has been observed in individual(s) with protein C deficiency and venous thromboembolism (PMID: 7670104, 25039884, 29356699). In at least one individual the data is consistent with being in trans (on the opposite chromosome) from a pathogenic variant. This variant is also known as c.1206_1207insG. ClinVar contains an entry for this variant (Variation ID: 407370). Experimental studies and prediction algorithms are not available or were not evaluated, and the functional significance of this variant is currently unknown. For these reasons, this variant has been classified as Pathogenic.

Mayo Clinic Laboratories, Mayo Clinic
Classification: Likely pathogenic. Last evaluated: 2022-12-23. Review status: criteria provided, single submitter. Criteria: ACMG Guidelines, 2015. Collection method: clinical testing. Allele origin: germline. Observed: 1 variant allele.
Comment: PM2, PM3, PVS1_strong

Revvity Omics, Revvity
Classification: Pathogenic. Last evaluated: 2021-11-29. Review status: criteria provided, single submitter. Criteria: ACMG Guidelines, 2015. Collection method: clinical testing. Allele origin: germline.

Juno Genomics, Hangzhou Juno Genomics, Inc
Classification: Likely pathogenic for Thrombophilia due to protein C deficiency, autosomal dominant; Thrombophilia due to protein C deficiency, autosomal recessive. Review status: criteria provided, single submitter. Criteria: ACMG Guidelines, 2015. Collection method: clinical testing. Allele origin: germline.
Comment: Absent from controls (or at extremely low frequency if recessive) in Genome Aggregation Database.;Null variant in a gene where loss of function (LOF) is a known mechanism of disease.;For recessive disorders, detected in trans with a pathogenic variant.;Patient's phenotype or family history is highly specific for a disease with a single genetic etiology.

Literature cited by the submitters: PubMed 7670104 (cited by Labcorp Genetics (formerly Invitae), Labcorp); PubMed 25039884 (cited by Labcorp Genetics (formerly Invitae), Labcorp); PubMed 29356699 (cited by Labcorp Genetics (formerly Invitae), Labcorp).

NM_000312.4(PROC):c.1212dup (p.Pro405fs)

Gene: PROC (protein C, inactivator of coagulation factors Va and VIIIa; plus strand). Cytogenetic location: 2q14.3.
Variant type: Duplication.
Coding change: c.1212dup on transcript NM_000312.4 (MANE Select); coding-DNA position 1212, one base duplicated (G; older notation c.1212dupG).
Protein change: p.Pro405fs; shifts the reading frame from proline 405.
Molecular consequence: frameshift variant.
Genome position (GRCh38, 1-based): chr2:127,428,772, G duplicated; the last of 6 consecutive G bases (chr2:127,428,767-127,428,772); duplicating any one gives the same sequence. VCF-style (leftmost placement, unchanged base first): chr2-127428766-T-TG. GRCh37 (hg19) VCF-style: chr2-128186342-T-TG.
Other names: p.Pro405Alafs*20; c.1395dup, p.Pro466fs (NM_001375602.1); c.1377dup, p.Pro460fs (NM_001375603.1); c.1275dup, p.Pro426fs (NM_001375604.1); c.1314dup, p.Pro439fs (NM_001375605.1); c.1380dup, p.Pro461fs (NM_001375606.1); c.1398dup, p.Pro467fs (NM_001375607.1); c.1155dup, p.Pro386fs (NM_001375608.1); and 4 more; short protein forms P405fs, P386fs, P397fs, P403fs, P426fs, P439fs, P460fs, P461fs.
Identifiers: ClinVar variation 407370 (VCV000407370.16), dbSNP rs1333329860, ClinGen allele CA16610244.